The following is an entry in ClinVar:

NM_003001.5(SDHC):c.101C>A (p.Ala34Asp)

Gene: SDHC (succinate dehydrogenase complex subunit C; plus strand). Cytogenetic location: 1q23.3.
Variant type: single nucleotide variant.
Coding change: c.101C>A on transcript NM_003001.5 (MANE Select); coding-DNA position 101, C replaced by A.
Protein change: p.Ala34Asp; replaces alanine 34 with aspartic acid.
Molecular consequence: missense variant. On other transcripts: 5 prime UTR variant (2), non-coding transcript variant (1), intron variant (4).
Genome position (GRCh38, 1-based): chr1:161,328,419, C>A. VCF-style: chr1-161328419-C-A. GRCh37 (hg19) VCF-style: chr1-161298209-C-A.
Other names: c.-11C>A (NM_001407119.1, NM_001407120.1); c.44C>A, p.Ala15Asp (NM_001407121.1, NM_001407116.1, NM_001407117.1); c.77+4749C>A (NM_001035512.3, NM_001278172.3, NM_001407118.1); c.21-12175C>A (NM_001035513.3); c.101C>A, p.Ala34Asp (NM_001035511.3, NM_001407115.1); short protein forms A15D, A34D.
Identifiers: ClinVar variation 4548125 (VCV004548125.2).

ClinVar aggregate classification (germline): Uncertain significance (1 of 4 stars; one submission).

Conditions:
Hereditary cancer-predisposing syndrome. Also called: Neoplastic Syndromes, Hereditary; Tumor predisposition; Hereditary Cancer Syndrome; Hereditary neoplastic syndrome. Identifiers: Orphanet 140162, MedGen C0027672, MeSH D009386, MONDO:0015356.

Submission:

Ambry Genetics
Classification: Uncertain significance for Hereditary cancer-predisposing syndrome. Last evaluated: 2026-07-30. Review status: criteria provided, single submitter. Criteria: Ambry Variant Classification Scheme 2023. Collection method: clinical testing. Allele origin: germline.
Comment: The p.A34D variant (also known as c.101C>A), located in coding exon 3 of the SDHC gene, results from a C to A substitution at nucleotide position 101. The alanine at codon 34 is replaced by aspartic acid, an amino acid with dissimilar properties. This amino acid position is highly conserved in available vertebrate species. In addition, this alteration is predicted to be deleterious by in silico analysis. Based on the available evidence, the clinical significance of this variant remains unclear.